The following is an entry in ClinVar:

ClinVar aggregate classification (germline): Uncertain significance (1 of 4 stars; one submission).

Conditions:
Immunodeficiency 39 (IMD39). Identifiers: Orphanet 574918, MedGen C4225358, MONDO:0014597, OMIM 616345.

Allele frequency attached by ClinVar (database versions not stated): gnomAD exomes below 0.00001; TOPMed below 0.00001.

Submission:

Labcorp Genetics (formerly Invitae), Labcorp
Classification: Uncertain significance for Immunodeficiency 39. Last evaluated: 2024-10-03. Review status: criteria provided, single submitter. Criteria: Invitae Variant Classification Sherloc (09022015). Collection method: clinical testing. Allele origin: germline.
Comment: This sequence change replaces alanine, which is neutral and non-polar, with threonine, which is neutral and polar, at codon 22 of the IRF7 protein (p.Ala22Thr). This variant is not present in population databases (gnomAD no frequency). This variant has not been reported in the literature in individuals affected with IRF7-related conditions. ClinVar contains an entry for this variant (Variation ID: 641202). Invitae Evidence Modeling of protein sequence and biophysical properties (such as structural, functional, and spatial information, amino acid conservation, physicochemical variation, residue mobility, and thermodynamic stability) indicates that this missense variant is not expected to disrupt IRF7 protein function with a negative predictive value of 80%. In summary, the available evidence is currently insufficient to determine the role of this variant in disease. Therefore, it has been classified as a Variant of Uncertain Significance.

NM_001572.5(IRF7):c.25G>A (p.Ala9Thr)

Gene: IRF7 (interferon regulatory factor 7; minus strand). Cytogenetic location: 11p15.5.
Variant type: single nucleotide variant.
Coding change: c.25G>A on transcript NM_001572.5 (MANE Select); coding-DNA position 25, G replaced by A.
Protein change: p.Ala9Thr; replaces alanine 9 with threonine.
Molecular consequence: missense variant.
Genome position (GRCh38, 1-based): chr11:615,255, C>T on the plus strand (G>A on the coding strand, the complement: IRF7 is on the minus strand). VCF-style: chr11-615255-C-T. GRCh37 (hg19) VCF-style: chr11-615255-C-T.
Other names: c.25G>A, p.Ala9Thr (LRG_1313t1, NM_004029.4); c.64G>A, p.Ala22Thr (NM_004031.4); short protein forms A9T, A22T.
Identifiers: ClinVar variation 641202 (VCV000641202.8), dbSNP rs1589925152, ClinGen allele CA378985075.